The following is an entry in ClinVar:

ClinVar aggregate classification (germline): Uncertain significance (1 of 4 stars; one submission).

Allele frequency attached by ClinVar (database versions not stated): gnomAD exomes below 0.00001; TOPMed below 0.00001.
gnomAD v4.1: 1 of 1,614,004 alleles (0.000062%); highest among the groups gnomAD compares: Non-Finnish European, 0.000085%; no homozygotes.

Submission:

Labcorp Genetics (formerly Invitae), Labcorp
Classification: Uncertain significance. Last evaluated: 2022-10-13. Review status: criteria provided, single submitter. Criteria: Invitae Variant Classification Sherloc (09022015). Collection method: clinical testing. Allele origin: germline.
Comment: This variant has not been reported in the literature in individuals affected with VCAN-related conditions. In summary, the available evidence is currently insufficient to determine the role of this variant in disease. Therefore, it has been classified as a Variant of Uncertain Significance. Algorithms developed to predict the effect of missense changes on protein structure and function (SIFT, PolyPhen-2, Align-GVGD) all suggest that this variant is likely to be disruptive. This variant is not present in population databases (gnomAD no frequency). This sequence change replaces glycine, which is neutral and non-polar, with aspartic acid, which is acidic and polar, at codon 2012 of the VCAN protein (p.Gly2012Asp).

NM_004385.5(VCAN):c.6035G>A (p.Gly2012Asp)

Genes: VCAN (versican; plus strand), VCAN-AS1 (VCAN antisense RNA 1; minus strand). Cytogenetic location: 5q14.3.
Variant type: single nucleotide variant.
Coding change: c.6035G>A on transcript NM_004385.5 (MANE Select); coding-DNA position 6035, G replaced by A.
Protein change: p.Gly2012Asp; replaces glycine 2012 with aspartic acid.
Molecular consequence: missense variant. On other transcripts: intron variant (2).
Genome position (GRCh38, 1-based): chr5:83,539,038, G>A. VCF-style: chr5-83539038-G-A. GRCh37 (hg19) VCF-style: chr5-82834857-G-A.
Other names: c.3074G>A, p.Gly1025Asp (NM_001164097.2); c.4004-6499G>A (NM_001164098.2); c.1043-6499G>A (NM_001126336.3); short protein forms G2012D, G1025D.
Identifiers: ClinVar variation 2010729 (VCV002010729.4), dbSNP rs1746848175, ClinGen allele CA360311691.